The following is an entry in ClinVar:

ClinVar aggregate classification (germline): Pathogenic (1 of 4 stars; one submission).

Submission:

Labcorp Genetics (formerly Invitae), Labcorp
Classification: Pathogenic. Last evaluated: 2023-07-30. Review status: criteria provided, single submitter. Criteria: Invitae Variant Classification Sherloc (09022015). Collection method: clinical testing. Allele origin: germline.
Comment: This variant is not present in population databases (gnomAD no frequency). This sequence change creates a premature translational stop signal (p.Lys590*) in the CCDC88C gene. It is expected to result in an absent or disrupted protein product. Loss-of-function variants in CCDC88C are known to be pathogenic (PMID: 23042809, 29225145). This variant has not been reported in the literature in individuals affected with CCDC88C-related conditions. For these reasons, this variant has been classified as Pathogenic.

Literature cited by the submitters: PubMed 23042809; PubMed 29225145.

NM_001080414.4(CCDC88C):c.1768A>T (p.Lys590Ter)

Gene: CCDC88C (coiled-coil and HOOK domain protein 88C; minus strand). Cytogenetic location: 14q32.11.
Variant type: single nucleotide variant.
Coding change: c.1768A>T on transcript NM_001080414.4 (MANE Select); coding-DNA position 1768, A replaced by T.
Protein change: p.Lys590Ter; replaces lysine 590 with a stop codon.
Molecular consequence: nonsense.
Genome position (GRCh38, 1-based): chr14:91,314,048, T>A on the plus strand (A>T on the coding strand, the complement: CCDC88C is on the minus strand). VCF-style: chr14-91314048-T-A. GRCh37 (hg19) VCF-style: chr14-91780392-T-A.
Other names: short protein forms K590*.
Identifiers: ClinVar variation 2748573 (VCV002748573.3), dbSNP rs1891980457, ClinGen allele CA390632988.